The following is an entry in ClinVar:

ClinVar aggregate classification (germline): Benign. Review status: reviewed by expert panel (3 of 4 stars). 3 submissions from 3 submitters: Benign (1). 2 of the submissions do not count toward it. Last evaluated 2025-05-07.

Conditions:
Pitt-Hopkins syndrome (PTHS). Also called: ENCEPHALOPATHY, SEVERE EPILEPTIC, WITH AUTONOMIC DYSFUNCTION; MENTAL RETARDATION, SYNDROMAL, WITH INTERMITTENT HYPERVENTILATION. Identifiers: Orphanet 2896, MedGen C1970431, MONDO:0012589, OMIM 610954.

Allele frequency attached by ClinVar (database versions not stated): gnomAD 0.00001 and 0.00004; TOPMed 0.00001; ExAC 0.00005; gnomAD exomes 0.00005.
gnomAD v4.1: 47 of 1,613,636 alleles (0.0029%); highest among the groups gnomAD compares: South Asian, 0.041%; 1 homozygote.

Submissions (3):

ClinGen Rett and Angelman-like Disorders Variant Curation Expert Panel
Classification: Benign for Pitt-Hopkins syndrome. Last evaluated: 2025-05-07. Review status: reviewed by expert panel. Criteria: ClinGen RettAS ACMG Specifications TCF4 V4.0.0. Collection method: curation. Allele origin: germline. Inheritance: Autosomal dominant inheritance.
Comment: The highest population minor allele frequency of the p.Gly440Ser variant in TCF4 in gnomAD v4.1 is 0.0004063 in the South Asian population, which is higher than the ClinGen Rett and Angelman-like Disorders VCEP threshold (≥0.0003) for BA1, and therefore meets this criterion (BA1). In the absence of conflicting evidence, this is sufficient evidence to classify as benign based on the specifications defined by the ClinGen Rett and Angelman-like Disorders Variant Curation Expert Panel (TCF4 Specifications v.4.0; curation approved on [5/7/2025]).

Labcorp Genetics (formerly Invitae), Labcorp
Classification: Benign for Pitt-Hopkins syndrome. Last evaluated: 2025-04-09. Review status: criteria provided, single submitter. Criteria: Invitae Variant Classification Sherloc (09022015). Collection method: clinical testing. Allele origin: germline. Not counted in ClinVar's aggregate classification.

GeneDx
Classification: Uncertain significance. Last evaluated: 2020-09-01. Review status: criteria provided, single submitter. Criteria: GeneDx Variant Classification Process June 2021. Collection method: clinical testing. Allele origin: germline. Affected: yes. Not counted in ClinVar's aggregate classification.
Comment: In silico analysis supports that this missense variant does not alter protein structure/function; Has not been previously published as pathogenic or benign to our knowledge

NM_001083962.2(TCF4):c.1318G>A (p.Gly440Ser)

Gene: TCF4 (transcription factor 4; minus strand). Cytogenetic location: 18q21.2.
Variant type: single nucleotide variant.
Coding change: c.1318G>A on transcript NM_001083962.2 (MANE Select); coding-DNA position 1318, G replaced by A.
Protein change: p.Gly440Ser; replaces glycine 440 with serine.
Molecular consequence: missense variant.
Genome position (GRCh38, 1-based): chr18:55,254,529, C>T on the plus strand (G>A on the coding strand, the complement: TCF4 is on the minus strand). VCF-style: chr18-55254529-C-T. GRCh37 (hg19) VCF-style: chr18-52921760-C-T.
Other names: NM_001083962.2(TCF4):c.1318G>A; p.Gly440Ser; c.1624G>A, p.Gly542Ser (NM_001243226.3); c.1246G>A, p.Gly416Ser (NM_001243227.2, NM_001306207.1, NM_001348217.1 and 5 more transcripts); c.1336G>A, p.Gly446Ser (NM_001243228.2); c.1309G>A, p.Gly437Ser (NM_001243230.2); c.1192G>A, p.Gly398Ser (NM_001243231.2, NM_001348211.2); c.1105G>A, p.Gly369Ser (NM_001243232.1, NM_001306208.1); and 8 more; short protein forms G440S, G417S, G437S, G446S, G542S, G224S, G279S, G369S.
Identifiers: ClinVar variation 536801 (VCV000536801.15), dbSNP rs759754956, ClinGen allele CA8970233.